The following is an entry in ClinVar:

NM_002693.3(POLG):c.2314C>T (p.Pro772Ser)

Gene: POLG (DNA polymerase gamma, catalytic subunit; minus strand). Cytogenetic location: 15q26.1.
Variant type: single nucleotide variant.
Coding change: c.2314C>T on transcript NM_002693.3 (MANE Select); coding-DNA position 2314, C replaced by T.
Protein change: p.Pro772Ser; replaces proline 772 with serine.
Molecular consequence: missense variant.
Genome position (GRCh38, 1-based): chr15:89,322,854, G>A on the plus strand (C>T on the coding strand, the complement: POLG is on the minus strand). VCF-style: chr15-89322854-G-A. GRCh37 (hg19) VCF-style: chr15-89866085-G-A.
Other names: c.2314C>T, p.Pro772Ser (NM_001126131.2); short protein forms P772S.
Identifiers: ClinVar variation 1400779 (VCV001400779.8), dbSNP rs2152062414, ClinGen allele CA393756497.
Genomic context (GRCh38, chr15:89,322,854, plus strand): 5'-GAGCACGGGGCCCACTGGCACCTCCTGGGCCAGCCTGCAGGGTGCCATCCTCCATCTTGG[G>A]CAGGAAGTCCTTGGCAAAGGGGCTTCCCACATTACAGCTATTACCATCCTGGACAGAGCA-3'
Protein context (NP_002684.1, residues 762-782): VGSPFAKDFL[Pro772Ser]KMEDGTLQAG

ClinVar aggregate classification (germline): Uncertain significance (1 of 4 stars; one submission).

Conditions:
Progressive sclerosing poliodystrophy (MTDPS4A). Also called: Mitochondrial DNA depletion syndrome 4A (Alpers type); ALPERS PROGRESSIVE INFANTILE POLIODYSTROPHY; NEURONAL DEGENERATION OF CHILDHOOD WITH LIVER DISEASE, PROGRESSIVE; Mitochondrial DNA Depletion Syndrome 4A; Alpers-Huttenlocher Syndrome (AHS); Alpers Syndrome. Identifiers: Orphanet 726, MedGen C0205710, MONDO:0008758, OMIM 203700.

Submission:

Labcorp Genetics (formerly Invitae), Labcorp
Classification: Uncertain significance for Progressive sclerosing poliodystrophy. Last evaluated: 2024-11-07. Review status: criteria provided, single submitter. Criteria: Invitae Variant Classification Sherloc (09022015). Collection method: clinical testing. Allele origin: germline.
Comment: This sequence change replaces proline, which is neutral and non-polar, with serine, which is neutral and polar, at codon 772 of the POLG protein (p.Pro772Ser). This variant is not present in population databases (gnomAD no frequency). This variant has not been reported in the literature in individuals affected with POLG-related conditions. ClinVar contains an entry for this variant (Variation ID: 1400779). Invitae Evidence Modeling of protein sequence and biophysical properties (such as structural, functional, and spatial information, amino acid conservation, physicochemical variation, residue mobility, and thermodynamic stability) indicates that this missense variant is not expected to disrupt POLG protein function with a negative predictive value of 95%. In summary, the available evidence is currently insufficient to determine the role of this variant in disease. Therefore, it has been classified as a Variant of Uncertain Significance.